The following is an entry in ClinVar:

NM_001029864.2(KIAA1755):c.3089G>T (p.Gly1030Val)

Gene: KIAA1755 (KIAA1755; minus strand). Cytogenetic location: 20q11.23.
Variant type: single nucleotide variant.
Coding change: c.3089G>T on transcript NM_001029864.2 (MANE Select); coding-DNA position 3089, G replaced by T.
Protein change: p.Gly1030Val; replaces glycine 1030 with valine.
Molecular consequence: missense variant. On other transcripts: non-coding transcript variant (1).
Genome position (GRCh38, 1-based): chr20:38,213,556, C>A on the plus strand (G>T on the coding strand, the complement: KIAA1755 is on the minus strand). VCF-style: chr20-38213556-C-A. GRCh37 (hg19) VCF-style: chr20-36841958-C-A.
Other names: c.2042G>T, p.Gly681Val (NM_001348708.2); short protein forms G1030V, G681V.
Identifiers: ClinVar variation 161499 (VCV000161499.2), dbSNP rs193920749, ClinGen allele CA174147.

ClinVar aggregate classification (germline): Uncertain significance (0 of 4 stars; one submission).

Conditions:
Prostate cancer. Also called: Malignant tumor of prostate. Identifiers: Orphanet 1331, MedGen C0376358, MONDO:0008315, HP:0012125.

Allele frequency attached by ClinVar (database versions not stated): gnomAD exomes below 0.00001.
gnomAD v4.1: 1 of 1,605,996 alleles (0.000062%); highest among the groups gnomAD compares: South Asian, 0.0011%; no homozygotes.

Submission:

Science for Life laboratory,  Karolinska Institutet
Classification: Uncertain significance for Malignant tumor of prostate. Review status: no assertion criteria provided. Collection method: not provided. Allele origin: somatic.
Comment: TumorID:SWE-1
ClinVar note: Converted during submission from Unknown to Uncertain significance.